The following is an entry in ClinVar:

NM_006612.6(KIF1C):c.1293G>A (p.Thr431=)

Gene: KIF1C (kinesin family member 1C; plus strand). Cytogenetic location: 17p13.2.
Variant type: single nucleotide variant.
Coding change: c.1293G>A on transcript NM_006612.6 (MANE Select); coding-DNA position 1293, G replaced by A.
Protein change: p.Thr431=; no amino-acid change (threonine 431 retained).
Molecular consequence: synonymous variant.
Genome position (GRCh38, 1-based): chr17:5,007,042, G>A. VCF-style: chr17-5007042-G-A. GRCh37 (hg19) VCF-style: chr17-4910337-G-A.
Other names: p.Thr431=.
Identifiers: ClinVar variation 380883 (VCV000380883.18), dbSNP rs35919356, ClinGen allele CA8318923.

ClinVar aggregate classification (germline): Benign/Likely benign. Review status: criteria provided, multiple submitters, no conflicts (2 of 4 stars). 6 submissions from 6 submitters: Benign (5); Likely benign (1). Last evaluated 2026-01-23.

Conditions:
Spastic ataxia 2. Also called: Ataxia, spastic, 2, autosomal recessive. Identifiers: Orphanet 397946, MedGen C1969796, MONDO:0012651, OMIM 611302.
Hereditary spastic paraplegia. Also called: Familial spastic paraparesis. Identifiers: Orphanet 685, MedGen C0037773, MONDO:0019064. Disease mechanism: loss of function.

Allele frequency attached by ClinVar (database versions not stated): 1000 Genomes Project 30x 0.00781; 1000 Genomes Project 0.00879; TOPMed 0.01361; gnomAD 0.01442 and 0.01482; gnomAD exomes 0.01730 and 0.02164; ESP Exome Variant Server 0.01845; ExAC 0.01856.
gnomAD v4.1: 33,518 of 1,606,784 alleles (2.1%); highest among the groups gnomAD compares: Non-Finnish European, 2.4%; 451 homozygotes.

Submissions (6):

Labcorp Genetics (formerly Invitae), Labcorp
Classification: Benign for Spastic ataxia 2. Last evaluated: 2026-01-23. Review status: criteria provided, single submitter. Criteria: Invitae Variant Classification Sherloc (09022015). Collection method: clinical testing. Allele origin: germline.

Blueprint Genetics
Classification: Likely benign. Last evaluated: 2024-11-27. Review status: criteria provided, single submitter. Criteria: ACMG Guidelines, 2015. Collection method: clinical testing. Allele origin: germline.

Mayo Clinic Laboratories, Mayo Clinic
Classification: Benign. Last evaluated: 2023-02-20. Review status: criteria provided, single submitter. Criteria: ACMG Guidelines, 2015. Collection method: clinical testing. Allele origin: germline. Observed: 26 variant alleles.
Comment: BS1, BS2, BP4, BP7

Genome Diagnostics Laboratory, The Hospital for Sick Children
Classification: Benign for Hereditary spastic paraplegia. Last evaluated: 2021-11-11. Review status: criteria provided, single submitter. Criteria: ACMG Guidelines, 2015. Collection method: clinical testing. Allele origin: germline. Affected: yes.

GeneDx
Classification: Benign. Last evaluated: 2016-06-30. Review status: criteria provided, single submitter. Criteria: GeneDx Variant Classification (06012015). Collection method: clinical testing. Allele origin: germline. Affected: yes.
Comment: This variant is considered likely benign or benign based on one or more of the following criteria: it is a conservative change, it occurs at a poorly conserved position in the protein, it is predicted to be benign by multiple in silico algorithms, and/or has population frequency not consistent with disease.

Breakthrough Genomics
Classification: Benign. Review status: criteria provided, single submitter. Criteria: ACMG Guidelines, 2015. Collection method: not provided. Allele origin: germline. Inheritance: Autosomal recessive inheritance. Affected: yes.